The following is an entry in ClinVar:

NM_057175.5(NAA15):c.194C>T (p.Ala65Val)

Gene: NAA15 (N-alpha-acetyltransferase 15, NatA auxiliary subunit; plus strand). Cytogenetic location: 4q31.1.
Variant type: single nucleotide variant.
Coding change: c.194C>T on transcript NM_057175.5 (MANE Select); coding-DNA position 194, C replaced by T.
Protein change: p.Ala65Val; replaces alanine 65 with valine.
Molecular consequence: missense variant.
Genome position (GRCh38, 1-based): chr4:139,336,902, C>T. VCF-style: chr4-139336902-C-T. GRCh37 (hg19) VCF-style: chr4-140258056-C-T.
Other names: c.194C>T, p.Ala65Val (NM_001410842.1, NM_025085.2); c.194C>T (NM_057175.3); short protein forms A65V.
Identifiers: ClinVar variation 2854718 (VCV002854718.5), dbSNP rs2530357907, ClinGen allele CA358258404.

ClinVar aggregate classification (germline): Conflicting classifications of pathogenicity. Review status: criteria provided, conflicting classifications (1 of 4 stars). 2 submissions from 2 submitters: Likely pathogenic (1); Uncertain significance (1). Last evaluated 2025-10-07.

Submissions (2):

GeneDx
Classification: Likely pathogenic. Last evaluated: 2025-10-07. Review status: criteria provided, single submitter. Criteria: GeneDx Variant Classification Process June 2021. Collection method: clinical testing. Allele origin: germline.
Comment: Not observed at significant frequency in large population cohorts (gnomAD); In silico analysis supports that this missense variant has a deleterious effect on protein structure/function; Has not been previously published as pathogenic or benign to our knowledge

Labcorp Genetics (formerly Invitae), Labcorp
Classification: Uncertain significance. Last evaluated: 2023-04-16. Review status: criteria provided, single submitter. Criteria: Invitae Variant Classification Sherloc (09022015). Collection method: clinical testing. Allele origin: germline.
Comment: In summary, the available evidence is currently insufficient to determine the role of this variant in disease. Therefore, it has been classified as a Variant of Uncertain Significance. An algorithm developed to predict the effect of missense changes on protein structure and function (PolyPhen-2) suggests that this variant is likely to be disruptive. This variant has not been reported in the literature in individuals affected with NAA15-related conditions. This variant is not present in population databases (gnomAD no frequency). This sequence change replaces alanine, which is neutral and non-polar, with valine, which is neutral and non-polar, at codon 65 of the NAA15 protein (p.Ala65Val).